The following is an entry in ClinVar:

ClinVar aggregate classification (germline): Uncertain significance (1 of 4 stars; one submission).

gnomAD v4.1: 42 of 1,610,636 alleles (0.0026%); highest among the groups gnomAD compares: Non-Finnish European, 0.0032%; no homozygotes.

Submission:

Labcorp Genetics (formerly Invitae), Labcorp
Classification: Uncertain significance. Last evaluated: 2025-05-26. Review status: criteria provided, single submitter. Criteria: Invitae Variant Classification Sherloc (09022015). Collection method: clinical testing. Allele origin: germline.
Comment: This sequence change replaces alanine, which is neutral and non-polar, with serine, which is neutral and polar, at codon 682 of the KIF2A protein (p.Ala682Ser). This variant is present in population databases (rs61748225, gnomAD 0.004%). This variant has not been reported in the literature in individuals affected with KIF2A-related conditions. ClinVar contains an entry for this variant (Variation ID: 3006314). An algorithm developed to predict the effect of missense changes on protein structure and function (PolyPhen-2) suggests that this variant is likely to be tolerated. In summary, the available evidence is currently insufficient to determine the role of this variant in disease. Therefore, it has been classified as a Variant of Uncertain Significance.

NM_001098511.3(KIF2A):c.2044G>T (p.Ala682Ser)

Gene: KIF2A (kinesin family member 2A; plus strand). Cytogenetic location: 5q12.1.
Variant type: single nucleotide variant.
Coding change: c.2044G>T on transcript NM_001098511.3 (MANE Select); coding-DNA position 2044, G replaced by T.
Protein change: p.Ala682Ser; replaces alanine 682 with serine.
Molecular consequence: missense variant.
Genome position (GRCh38, 1-based): chr5:62,381,148, G>T. VCF-style: chr5-62381148-G-T. GRCh37 (hg19) VCF-style: chr5-61676975-G-T.
Other names: c.1849G>T, p.Ala617Ser (NM_001243952.2); c.1873G>T, p.Ala625Ser (NM_001243953.2); c.1930G>T, p.Ala644Ser (NM_004520.5); short protein forms A617S, A625S, A682S, A644S.
Identifiers: ClinVar variation 3006314 (VCV003006314.3), dbSNP rs61748225, ClinGen allele CA3279110.